The following is an entry in ClinVar:

ClinVar aggregate classification (germline): Uncertain significance (1 of 4 stars; one submission).

Conditions:
Aortic valve disease 2 (AOVD2). Identifiers: MedGen C3542024, MONDO:0013902, OMIM 614823.

Submission:

Labcorp Genetics (formerly Invitae), Labcorp
Classification: Uncertain significance for Aortic valve disease 2. Last evaluated: 2024-05-21. Review status: criteria provided, single submitter. Criteria: Invitae Variant Classification Sherloc (09022015). Collection method: clinical testing. Allele origin: germline.
Comment: This sequence change replaces arginine, which is basic and polar, with isoleucine, which is neutral and non-polar, at codon 50 of the SMAD6 protein (p.Arg50Ile). This variant is not present in population databases (gnomAD no frequency). This variant has not been reported in the literature in individuals affected with SMAD6-related conditions. An algorithm developed to predict the effect of missense changes on protein structure and function (PolyPhen-2) suggests that this variant is likely to be tolerated. In summary, the available evidence is currently insufficient to determine the role of this variant in disease. Therefore, it has been classified as a Variant of Uncertain Significance.

NM_005585.5(SMAD6):c.149G>T (p.Arg50Ile)

Gene: SMAD6 (SMAD family member 6; plus strand). Cytogenetic location: 15q22.31.
Variant type: single nucleotide variant.
Coding change: c.149G>T on transcript NM_005585.5 (MANE Select); coding-DNA position 149, G replaced by T.
Protein change: p.Arg50Ile; replaces arginine 50 with isoleucine.
Molecular consequence: missense variant. On other transcripts: non-coding transcript variant (1).
Genome position (GRCh38, 1-based): chr15:66,703,407, G>T. VCF-style: chr15-66703407-G-T. GRCh37 (hg19) VCF-style: chr15-66995745-G-T.
Other names: short protein forms R50I.
Identifiers: ClinVar variation 3680862 (VCV003680862.2).
Genomic context (GRCh38, chr15:66,703,407, plus strand): 5'-GCGGTGGCGGCGACGAGGATGGGAGCTTGGGCAGCCGAGCTGAGCCGGCCCCGCGGGCAA[G>T]AGAGGGCGGAGGCTGCGGCCGCTCCGAAGTCCGCCCGGTAGCCCCGCGGCGGCCCCGGGA-3'
Protein context (NP_005576.3, residues 40-60): GSRAEPAPRA[Arg50Ile]EGGGCGRSEV